The following is an entry in ClinVar:

NM_000394.4(CRYAA):c.444T>A (p.Thr148=)

Gene: CRYAA (crystallin alpha A; plus strand). Cytogenetic location: 21q22.3.
Variant type: single nucleotide variant.
Coding change: c.444T>A on transcript NM_000394.4 (MANE Select); coding-DNA position 444, T replaced by A.
Protein change: p.Thr148=; no amino-acid change (threonine 148 retained).
Molecular consequence: synonymous variant.
Genome position (GRCh38, 1-based): chr21:43,172,202, T>A. VCF-style: chr21-43172202-T-A. GRCh37 (hg19) VCF-style: chr21-44592312-T-A.
Other names: c.333T>A, p.Thr111= (NM_001363766.1).
Identifiers: ClinVar variation 256009 (VCV000256009.17), dbSNP rs61735857, ClinGen allele CA10587362.

ClinVar aggregate classification (germline): Benign. Review status: criteria provided, multiple submitters, no conflicts (2 of 4 stars). 5 submissions from 5 submitters: Benign (5). Last evaluated 2025-12-31.

Conditions:
Cataract 9 multiple types. Also called: Cataract 9, multiple types, with or without microcornea; Cataract, autosomal recessive congenital 1. Identifiers: Orphanet 1377, MedGen C1858679, MONDO:0011413, OMIM 604219.

Allele frequency attached by ClinVar (database versions not stated): gnomAD exomes 0.01021; ExAC 0.01206; gnomAD 0.03116; 1000 Genomes Project 0.03654; ESP Exome Variant Server 0.04021.

Submissions (5):

Labcorp Genetics (formerly Invitae), Labcorp
Classification: Benign for Cataract 9 multiple types. Last evaluated: 2025-12-31. Review status: criteria provided, single submitter. Criteria: Invitae Variant Classification Sherloc (09022015). Collection method: clinical testing. Allele origin: germline.

GeneDx
Classification: Benign. Last evaluated: 2018-05-31. Review status: criteria provided, single submitter. Criteria: GeneDx Variant Classification (06012015). Collection method: clinical testing. Allele origin: germline. Affected: yes.
Comment: This variant is considered likely benign or benign based on one or more of the following criteria: it is a conservative change, it occurs at a poorly conserved position in the protein, it is predicted to be benign by multiple in silico algorithms, and/or has population frequency not consistent with disease.

Illumina Laboratory Services, Illumina
Classification: Benign for Cataract 9 multiple types. Last evaluated: 2018-01-12. Review status: criteria provided, single submitter. Criteria: ICSL Variant Classification Criteria 13 December 2019. Collection method: clinical testing. Allele origin: germline.
Comment: This variant was observed in the ICSL laboratory as part of a predisposition screen in an ostensibly healthy population. It had not been previously curated by ICSL or reported in the Human Gene Mutation Database (HGMD: prior to June 1st, 2018), and was therefore a candidate for classification through an automated scoring system. Utilizing variant allele frequency, disease prevalence and penetrance estimates, and inheritance mode, an automated score was calculated to assess if this variant is too frequent to cause the disease. Based on the score and internal cut-off values, a variant classified as benign is not then subjected to further curation. The score for this variant resulted in a classification of benign for this disease.

Breakthrough Genomics
Classification: Benign. Review status: criteria provided, single submitter. Criteria: ACMG Guidelines, 2015. Collection method: not provided. Allele origin: germline. Inheritance: Autosomal dominant inheritance. Affected: yes.

PreventionGenetics, part of Exact Sciences
Classification: Benign. Review status: criteria provided, single submitter. Criteria: ACMG Guidelines, 2015. Collection method: clinical testing. Allele origin: germline.